The following is an entry in ClinVar:

NM_003412.4(ZIC1):c.450_452del (p.Ala151del)

Gene: ZIC1 (Zic family zinc finger 1; plus strand). Cytogenetic location: 3q24.
Variant type: Deletion.
Coding change: c.450_452del on transcript NM_003412.4 (MANE Select); coding-DNA positions 450 to 452, 3 bases deleted (TGC; older notation c.450_452delTGC).
Protein change: p.Ala151del; deletes alanine 151.
Molecular consequence: inframe deletion.
Genome position (GRCh38, 1-based): chr3:147,410,562-147,410,564, TGC deleted; deleting any 3 consecutive bases within chr3:147,410,560-147,410,564 gives the same sequence; the c. name uses the placement nearest the transcript's 3' end. VCF-style (leftmost placement, unchanged base first): chr3-147410559-GGCT-G. GRCh37 (hg19) VCF-style: chr3-147128346-GGCT-G.
Other names: short protein forms A151del.
Identifiers: ClinVar variation 4884021 (VCV004884021.2).

ClinVar aggregate classification (germline): Uncertain significance (1 of 4 stars; one submission).

Submission:

Dasa
Classification: Uncertain significance. Last evaluated: 2025-06-26. Review status: criteria provided, single submitter. Criteria: DASA Assertion Criteria. Collection method: clinical testing. Allele origin: germline.
Comment: NM_003412.4(ZIC1):c.450_452del (p.Ala151del) is an in-frame deletion predicted to remove alanine at protein position 151 without shifting the reading frame. This variant is absent from population databases. The currently available literature and clinical evidence are not sufficient to establish a definitive association between this variant and the reported condition. Therefore, this variant is classified as a variant of uncertain significance.